The following is an entry in ClinVar:

ClinVar aggregate classification (germline): Uncertain significance (1 of 4 stars; one submission).

Conditions:
Early-infantile DEE. Also called: Early infantile epileptic encephalopathy; Ohtahara syndrome; Early infantile epileptic encephalopathy with suppression bursts. Identifiers: Orphanet 1934, MedGen C0393706, MONDO:0800491.

Submission:

Labcorp Genetics (formerly Invitae), Labcorp
Classification: Uncertain significance for Early-infantile DEE. Last evaluated: 2023-03-30. Review status: criteria provided, single submitter. Criteria: Invitae Variant Classification Sherloc (09022015). Collection method: clinical testing. Allele origin: germline.
Comment: In summary, the available evidence is currently insufficient to determine the role of this variant in disease. Therefore, it has been classified as a Variant of Uncertain Significance. Variants that disrupt the consensus splice site are a relatively common cause of aberrant splicing (PMID: 17576681, 9536098). Algorithms developed to predict the effect of sequence changes on RNA splicing suggest that this variant may disrupt the consensus splice site. This variant has not been reported in the literature in individuals affected with KCNQ2-related conditions. ClinVar contains an entry for this variant (Variation ID: 1513671). This sequence change affects codon 629 of the KCNQ2 mRNA. It is a 'silent' change, meaning that it does not change the encoded amino acid sequence of the KCNQ2 protein. This variant also falls at the last nucleotide of exon 16, which is part of the consensus splice site for this exon. This variant is not present in population databases (gnomAD no frequency).

Literature cited by the submitters: PubMed 17576681; PubMed 9536098.

NM_172107.4(KCNQ2):c.1887G>A (p.Gln629=)

Gene: KCNQ2 (potassium voltage-gated channel subfamily Q member 2; minus strand). Cytogenetic location: 20q13.33.
Variant type: single nucleotide variant.
Coding change: c.1887G>A on transcript NM_172107.4 (MANE Select); coding-DNA position 1887, G replaced by A.
Protein change: p.Gln629=; no amino-acid change (glutamine 629 retained).
Molecular consequence: synonymous variant.
Genome position (GRCh38, 1-based): chr20:63,408,413, C>T on the plus strand (G>A on the coding strand, the complement: KCNQ2 is on the minus strand). VCF-style: chr20-63408413-C-T. GRCh37 (hg19) VCF-style: chr20-62039766-C-T.
Other names: c.1941G>A, p.Gln647= (NM_001382235.1); c.1803G>A, p.Gln601= (NM_004518.6); c.1833G>A, p.Gln611= (NM_172106.3); c.1794G>A, p.Gln598= (NM_172108.5).
Identifiers: ClinVar variation 1513671 (VCV001513671.7), dbSNP rs2145496561, ClinGen allele CA511203526.